The following is an entry in ClinVar:

ClinVar aggregate classification (germline): Uncertain significance (1 of 4 stars; one submission).

Submission:

GeneDx
Classification: Uncertain significance. Last evaluated: 2023-05-09. Review status: criteria provided, single submitter. Criteria: GeneDx Variant Classification Process June 2021. Collection method: clinical testing. Allele origin: germline. Affected: yes.
Comment: Not observed at significant frequency in large population cohorts (gnomAD); Nonsense variant predicted to result in protein truncation as the last 539 amino acids are lost, although loss-of-function variants have not been reported downstream of this position in the protein; Has not been previously published as pathogenic or benign to our knowledge; Variants in candidate genes are classified as variants of uncertain significance in accordance with ACMG guidelines (Richards et al., 2015)

NM_018133.4(MSL2):c.115C>T (p.Arg39Ter)

Gene: MSL2 (MSL complex subunit 2; minus strand). Cytogenetic location: 3q22.3.
Variant type: single nucleotide variant.
Coding change: c.115C>T on transcript NM_018133.4 (MANE Select); coding-DNA position 115, C replaced by T.
Protein change: p.Arg39Ter; replaces arginine 39 with a stop codon.
Molecular consequence: nonsense.
Genome position (GRCh38, 1-based): chr3:136,194,999, G>A on the plus strand (C>T on the coding strand, the complement: MSL2 is on the minus strand). VCF-style: chr3-136194999-G-A. GRCh37 (hg19) VCF-style: chr3-135913841-G-A.
Other names: short protein forms R39*.
Identifiers: ClinVar variation 3343282 (VCV003343282.1).